The following is an entry in ClinVar:

ClinVar aggregate classification (germline): Likely benign. Review status: criteria provided, multiple submitters, no conflicts (2 of 4 stars). 3 submissions from 3 submitters: Likely benign (2). 1 of the submissions does not count toward it. Last evaluated 2025-08-09.

Conditions:
ANKRD26-related disorder. Also called: ANKRD26-related condition.
Inborn genetic diseases. Identifiers: MedGen C0950123, MeSH D030342.

Allele frequency attached by ClinVar (database versions not stated): gnomAD 0.00005; ExAC 0.00001; TOPMed 0.00005; ESP Exome Variant Server 0.00009.
gnomAD v4.1: 15 of 1,609,994 alleles (0.00093%); highest among the groups gnomAD compares: African/African-American, 0.008%; no homozygotes.

Submissions (3):

Labcorp Genetics (formerly Invitae), Labcorp
Classification: Likely benign. Last evaluated: 2025-08-09. Review status: criteria provided, single submitter. Criteria: Invitae Variant Classification Sherloc (09022015). Collection method: clinical testing. Allele origin: germline.

Ambry Genetics
Classification: Likely benign for Inborn genetic diseases. Last evaluated: 2024-11-26. Review status: criteria provided, single submitter. Criteria: Ambry Variant Classification Scheme 2023. Collection method: clinical testing. Allele origin: germline.

PreventionGenetics, part of Exact Sciences
Classification: Likely benign for ANKRD26-related condition. Last evaluated: 2022-05-31. Review status: no assertion criteria provided. Collection method: clinical testing. Allele origin: germline. Not counted in ClinVar's aggregate classification.
Comment: This variant is classified as likely benign based on ACMG/AMP sequence variant interpretation guidelines (Richards et al. 2015 PMID: 25741868, with internal and published modifications).

NM_014915.3(ANKRD26):c.5124T>C (p.Tyr1708=)

Gene: ANKRD26 (ankyrin repeat domain 26; minus strand). Cytogenetic location: 10p12.1.
Variant type: single nucleotide variant.
Coding change: c.5124T>C on transcript NM_014915.3 (MANE Select); coding-DNA position 5124, T replaced by C.
Protein change: p.Tyr1708=; no amino-acid change (tyrosine 1708 retained).
Molecular consequence: synonymous variant.
Genome position (GRCh38, 1-based): chr10:27,005,599, A>G on the plus strand (T>C on the coding strand, the complement: ANKRD26 is on the minus strand). VCF-style: chr10-27005599-A-G. GRCh37 (hg19) VCF-style: chr10-27294528-A-G.
Other names: c.5121T>C, p.Tyr1707= (NM_001256053.2).
Identifiers: ClinVar variation 3036570 (VCV003036570.5), dbSNP rs376466372, ClinGen allele CA5447640.